The following is an entry in ClinVar:

NM_006432.5(NPC2):c.364-2A>G

Gene: NPC2 (NPC intracellular cholesterol transporter 2; minus strand). Cytogenetic location: 14q24.3.
Variant type: single nucleotide variant.
Coding change: c.364-2A>G on transcript NM_006432.5 (MANE Select); the canonical splice acceptor site of the intron before coding-DNA position 364, A replaced by G.
Molecular consequence: splice acceptor variant. On other transcripts: intron variant (1).
Genome position (GRCh38, 1-based): chr14:74,480,781, T>C on the plus strand (A>G on the coding strand, the complement: NPC2 is on the minus strand). VCF-style: chr14-74480781-T-C. GRCh37 (hg19) VCF-style: chr14-74947484-T-C.
Other names: c.364-2A>G (NM_001363688.1); c.364-493A>G (NM_001375440.1).
Identifiers: ClinVar variation 550768 (VCV000550768.6), dbSNP rs777654308, ClinGen allele CA7268132.

ClinVar aggregate classification (germline): Likely pathogenic. Review status: criteria provided, single submitter (1 of 4 stars). 2 submissions from 2 submitters: Likely pathogenic (1). 1 of the submissions does not count toward it. Last evaluated 2023-05-07.

Conditions:
Niemann-Pick disease, type C2 (NPC2). Identifiers: Orphanet 646, MedGen C1843366, MONDO:0011873, OMIM 607625.

Allele frequency attached by ClinVar (database versions not stated): gnomAD exomes below 0.00001; TOPMed below 0.00001; ExAC 0.00001.
gnomAD v4.1: 5 of 1,612,384 alleles (0.00031%); highest among the groups gnomAD compares: Middle Eastern, 0.017%; no homozygotes.

Submissions (2):

Labcorp Genetics (formerly Invitae), Labcorp
Classification: Likely pathogenic for Niemann-Pick disease, type C2. Last evaluated: 2023-05-07. Review status: criteria provided, single submitter. Criteria: Invitae Variant Classification Sherloc (09022015). Collection method: clinical testing. Allele origin: germline.
Comment: In summary, the currently available evidence indicates that the variant is pathogenic, but additional data are needed to prove that conclusively. Therefore, this variant has been classified as Likely Pathogenic. Algorithms developed to predict the effect of sequence changes on RNA splicing suggest that this variant may disrupt the consensus splice site. ClinVar contains an entry for this variant (Variation ID: 550768). This variant has not been reported in the literature in individuals affected with NPC2-related conditions. This variant is present in population databases (rs777654308, gnomAD 0.0009%). This sequence change affects an acceptor splice site in intron 3 of the NPC2 gene. It is expected to disrupt RNA splicing. Variants that disrupt the donor or acceptor splice site typically lead to a loss of protein function (PMID: 16199547), and loss-of-function variants in NPC2 are known to be pathogenic (PMID: 25145893).

Counsyl
Classification: Likely pathogenic for Niemann-Pick disease, type C2. Last evaluated: 2018-05-15. Review status: no assertion criteria provided. Collection method: clinical testing. Allele origin: unknown. Not counted in ClinVar's aggregate classification.

Literature cited by the submitters: PubMed 16199547 (cited by Labcorp Genetics (formerly Invitae), Labcorp); PubMed 25145893 (cited by Labcorp Genetics (formerly Invitae), Labcorp).